The following is an entry in ClinVar:

NM_007294.4(BRCA1):c.3313C>A (p.His1105Asn)

Genes: BRCA1 (BRCA1 DNA repair associated; minus strand), LOC126862571 (BRD4-independent group 4 enhancer GRCh37_chr17:41243136-41244335; plus strand). Cytogenetic location: 17q21.31.
Variant type: single nucleotide variant.
Coding change: c.3313C>A on transcript NM_007294.4 (MANE Select); coding-DNA position 3313, C replaced by A.
Protein change: p.His1105Asn; replaces histidine 1105 with asparagine.
Molecular consequence: missense variant. On other transcripts: intron variant (137).
Genome position (GRCh38, 1-based): chr17:43,092,218, G>T on the plus strand (C>A on the coding strand, the complement: BRCA1 is on the minus strand). VCF-style: chr17-43092218-G-T. GRCh37 (hg19) VCF-style: chr17-41244235-G-T.
Other names: c.671-1186C>A (NM_001408418.1, NM_001408423.1, NM_001408420.1 and 2 more transcripts); c.788-1186C>A (NM_001407981.1, NM_007298.4, NM_001407978.1 and 17 more transcripts); c.644-1186C>A (NM_001408462.1, NM_001408470.1, NM_001408464.1 and 3 more transcripts); c.710-1186C>A (NM_001408414.1, NM_001408411.1, NM_001408415.1 and 2 more transcripts); c.578-1186C>A (NM_001408514.1, NM_001408485.1, NM_001408483.1 and 9 more transcripts); c.662-1186C>A (NM_001408447.1, NM_001408433.1, NM_001408446.1 and 6 more transcripts); c.785-1186C>A (NM_001408400.1, NM_001408392.1, NM_001407986.1 and 13 more transcripts); c.665-1186C>A (NM_001408441.1, NM_001408437.1, NM_001408429.1 and 12 more transcripts); and 41 more; short protein forms H1105N, H1058N, H1016N, H1035N, H1079N, H809N, H994N, H1037N.
Identifiers: ClinVar variation 54834 (VCV000054834.22), dbSNP rs80357288, ClinGen allele CA002137.

ClinVar aggregate classification (germline): Conflicting classifications of pathogenicity. Review status: criteria provided, conflicting classifications (1 of 4 stars). 5 submissions from 5 submitters: Uncertain significance (3); Likely benign (1). 1 of the submissions does not count toward it. Last evaluated 2025-10-20.

Conditions:
Hereditary cancer-predisposing syndrome. Also called: Tumor predisposition; Neoplastic Syndromes, Hereditary; Hereditary Cancer Syndrome; Hereditary neoplastic syndrome. Identifiers: Orphanet 140162, MedGen C0027672, MeSH D009386, MONDO:0015356.
Hereditary breast ovarian cancer syndrome. Also called: Hereditary breast and ovarian cancer syndrome (HBOC); Hereditary breast and ovarian cancer syndrome; Hereditary breast and ovarian cancer; Hereditary breast and/or ovarian cancer syndrome; Breast and ovarian cancer; BRCA1- and BRCA2-Associated Hereditary Breast and Ovarian Cancer. Identifiers: Orphanet 145, MedGen C0677776, MeSH D061325, MONDO:0003582. Disease mechanism: loss of function.
Breast-ovarian cancer, familial, susceptibility to, 1 (BROVCA1). Also called: OVARIAN CANCER, SUSCEPTIBILITY TO; BRCA1 Hereditary Breast and Ovarian Cancer. Identifiers: Orphanet 145, MedGen C2676676, MONDO:0011450, OMIM 604370. Disease mechanism: loss of function.

Allele frequency attached by ClinVar (database versions not stated): TOPMed below 0.00001.

Submissions (5):

Labcorp Genetics (formerly Invitae), Labcorp
Classification: Uncertain significance for Hereditary breast ovarian cancer syndrome. Last evaluated: 2025-10-20. Review status: criteria provided, single submitter. Criteria: Invitae Variant Classification Sherloc (09022015). Collection method: clinical testing. Allele origin: germline.
Comment: This sequence change replaces histidine, which is basic and polar, with asparagine, which is neutral and polar, at codon 1105 of the BRCA1 protein (p.His1105Asn). This variant is not present in population databases (gnomAD no frequency). This missense change has been observed in individual(s) with clinical features of BRCA1-related conditions (PMID: 21520333). ClinVar contains an entry for this variant (Variation ID: 54834). Invitae Evidence Modeling of protein sequence and biophysical properties (such as structural, functional, and spatial information, amino acid conservation, physicochemical variation, residue mobility, and thermodynamic stability) indicates that this missense variant is not expected to disrupt BRCA1 protein function with a negative predictive value of 80%. In summary, the available evidence is currently insufficient to determine the role of this variant in disease. Therefore, it has been classified as a Variant of Uncertain Significance.

Ambry Genetics
Classification: Uncertain significance for Hereditary cancer-predisposing syndrome. Last evaluated: 2025-03-25. Review status: criteria provided, single submitter. Criteria: Ambry Variant Classification Scheme 2023. Collection method: clinical testing. Allele origin: germline.
Comment: The p.H1105N variant (also known as c.3313C>A), located in coding exon 9 of the BRCA1 gene, results from a C to A substitution at nucleotide position 3313. The histidine at codon 1105 is replaced by asparagine, an amino acid with similar properties. This amino acid position is poorly conserved in available vertebrate species. In addition, this alteration is predicted to be tolerated by in silico analysis. Since supporting evidence is limited at this time, the clinical significance of this alteration remains unclear.

University of Washington Department of Laboratory Medicine, University of Washington
Classification: Likely benign for Hereditary cancer-predisposing syndrome. Last evaluated: 2023-03-23. Review status: criteria provided, single submitter. Criteria: Dines et al. (Genet Med. 2020). Collection method: curation. Allele origin: germline.
Comment: Missense variant in a coldspot region where missense variants are very unlikely to be pathogenic (PMID:31911673).

BRCA1 coldspot (exon 11 using historical exon numbering). Reclassification based on statistical prior probability

Color Diagnostics, LLC DBA Color Health
Classification: Uncertain significance for Hereditary cancer-predisposing syndrome. Last evaluated: 2021-06-21. Review status: criteria provided, single submitter. Criteria: ACMG Guidelines, 2015. Collection method: clinical testing. Allele origin: germline.
Comment: This missense variant replaces histidine with asparagine at codon 1105 of the BRCA1 protein. Computational prediction suggests that this variant may not impact protein structure and function (internally defined REVEL score threshold <= 0.5, PMID: 27666373). To our knowledge, functional studies have not been reported for this variant. This variant has not been reported in individuals affected with hereditary cancer in the literature. This variant has not been identified in the general population by the Genome Aggregation Database (gnomAD). The available evidence is insufficient to determine the role of this variant in disease conclusively. Therefore, this variant is classified as a Variant of Uncertain Significance.

Breast Cancer Information Core (BIC) (BRCA1)
Classification: Uncertain significance for Breast-ovarian cancer, familial 1. Last evaluated: 2002-05-29. Review status: no assertion criteria provided. Collection method: clinical testing. Allele origin: germline. Affected: yes. Observed: 1 variant allele. Not counted in ClinVar's aggregate classification.

Literature cited by the submitters: PubMed 21520333 (cited by Labcorp Genetics (formerly Invitae), Labcorp).